The following is an entry in ClinVar:

ClinVar aggregate classification (germline): Pathogenic (1 of 4 stars; one submission).

Conditions:
Glycogen storage disease XV (GSD15). Also called: GLYCOGENIN DEFICIENCY; GSD XV. Identifiers: Orphanet 263297, MedGen C3150754, MONDO:0013291, OMIM 613507.
Polyglucosan body myopathy type 2. Identifiers: Orphanet 456369, MedGen C4015452, MONDO:0014526, OMIM 616199.

Submission:

Labcorp Genetics (formerly Invitae), Labcorp
Classification: Pathogenic for Polyglucosan body myopathy type 2; Glycogen storage disease XV. Last evaluated: 2024-05-15. Review status: criteria provided, single submitter. Criteria: Invitae Variant Classification Sherloc (09022015). Collection method: clinical testing. Allele origin: germline.
Comment: This sequence change creates a premature translational stop signal (p.Tyr282Leufs*11) in the GYG1 gene. While this is not anticipated to result in nonsense mediated decay, it is expected to disrupt the last 69 amino acid(s) of the GYG1 protein. This variant is not present in population databases (gnomAD no frequency). This variant has not been reported in the literature in individuals affected with GYG1-related conditions. ClinVar contains an entry for this variant (Variation ID: 2007595). This variant disrupts a region of the GYG1 protein in which other variant(s) (p.Tyr332*) have been determined to be pathogenic (PMID: 29264399). This suggests that this is a clinically significant region of the protein, and that variants that disrupt it are likely to be disease-causing. For these reasons, this variant has been classified as Pathogenic.

Literature cited by the submitters: PubMed 29264399.

NM_004130.4(GYG1):c.844dup (p.Tyr282fs)

Gene: GYG1 (glycogenin 1; plus strand). Cytogenetic location: 3q24.
Variant type: Duplication.
Coding change: c.844dup on transcript NM_004130.4 (MANE Select); coding-DNA position 844, one base duplicated (T; older notation c.844dupT).
Protein change: p.Tyr282fs; shifts the reading frame from tyrosine 282.
Molecular consequence: frameshift variant. On other transcripts: intron variant (2).
Genome position (GRCh38, 1-based): chr3:149,026,467, T duplicated. VCF-style (leftmost placement, unchanged base first): chr3-149026466-C-CT. GRCh37 (hg19) VCF-style: chr3-148744253-C-CT.
Other names: c.829-293dup (NM_001184720.2); c.609-293dup (NM_001184721.2); short protein forms Y282fs.
Identifiers: ClinVar variation 2007595 (VCV002007595.4), dbSNP rs1714655118, ClinGen allele CA1410039260.